The following is an entry in ClinVar:

ClinVar aggregate classification (germline): Likely pathogenic (1 of 4 stars; one submission).

Submission:

GeneDx
Classification: Likely pathogenic. Last evaluated: 2026-01-08. Review status: criteria provided, single submitter. Criteria: GeneDx Variant Classification Process June 2021. Collection method: clinical testing. Allele origin: germline.
Comment: Not observed at significant frequency in large population cohorts (gnomAD); In silico analysis supports that this missense variant has a deleterious effect on protein structure/function; Has not been previously published as pathogenic or benign to our knowledge

NM_001130438.3(SPTAN1):c.7250C>A (p.Ala2417Asp)

Gene: SPTAN1 (spectrin alpha, non-erythrocytic 1; plus strand). Cytogenetic location: 9q34.11.
Variant type: single nucleotide variant.
Coding change: c.7250C>A on transcript NM_001130438.3 (MANE Select); coding-DNA position 7250, C replaced by A.
Protein change: p.Ala2417Asp; replaces alanine 2417 with aspartic acid.
Molecular consequence: missense variant.
Genome position (GRCh38, 1-based): chr9:128,632,897, C>A. VCF-style: chr9-128632897-C-A. GRCh37 (hg19) VCF-style: chr9-131395176-C-A.
Other names: c.7175C>A, p.Ala2392Asp (NM_001195532.2); c.7313C>A, p.Ala2438Asp (NM_001363759.2); c.7190C>A, p.Ala2397Asp (NM_001363765.2, NM_001375314.2); c.7337C>A, p.Ala2446Asp (NM_001375310.1); c.7250C>A, p.Ala2417Asp (NM_001375311.2); c.7286C>A, p.Ala2429Asp (NM_001375312.2, NM_001438440.1); c.7232C>A, p.Ala2411Asp (NM_001375313.1); c.7349C>A, p.Ala2450Asp (NM_001375318.1); and 6 more; short protein forms A2386D, A2391D, A2392D, A2397D, A2406D, A2411D, A2412D, A2413D.
Identifiers: ClinVar variation 4537793 (VCV004537793.2).
Genomic context (GRCh38, chr9:128,632,897, plus strand): 5'-TGGCTTTCATGATCAGCCGCGAAACTGAGAACGTCAAGTCCAGCGAGGAGATTGAGAGCG[C>A]CTTCCGGGCCCTCAGCTCAGAGGGAAAGCCTTACGTGACCAAGGAGGAGCTCTACCAGGT-3'
Protein context (NP_001123910.1, residues 2407-2427): NVKSSEEIES[Ala2417Asp]FRALSSEGKP